The following is an entry in ClinVar:

NM_001202.6(BMP4):c.839G>A (p.Arg280Gln)

Gene: BMP4 (bone morphogenetic protein 4; minus strand). Cytogenetic location: 14q22.2.
Variant type: single nucleotide variant.
Coding change: c.839G>A on transcript NM_001202.6 (MANE Select); coding-DNA position 839, G replaced by A.
Protein change: p.Arg280Gln; replaces arginine 280 with glutamine.
Molecular consequence: missense variant.
Genome position (GRCh38, 1-based): chr14:53,950,420, C>T on the plus strand (G>A on the coding strand, the complement: BMP4 is on the minus strand). VCF-style: chr14-53950420-C-T. GRCh37 (hg19) VCF-style: chr14-54417138-C-T.
Other names: c.980G>A, p.Arg327Gln (NM_001347912.1); c.650G>A, p.Arg217Gln (NM_001347913.2, NM_001347915.2, NM_001347917.1); c.839G>A, p.Arg280Gln (NM_001347914.2, NM_001347916.1, NM_130850.5 and 1 more transcripts); c.839G>A (NM_001202.3); short protein forms R217Q, R280Q, R327Q.
Identifiers: ClinVar variation 2157168 (VCV002157168.5), dbSNP rs776094026, ClinGen allele CA7191666.

ClinVar aggregate classification (germline): Uncertain significance. Review status: criteria provided, multiple submitters, no conflicts (2 of 4 stars). 2 submissions from 2 submitters: Uncertain significance (2). Last evaluated 2025-01-21.

Conditions:
Orofacial cleft 11 (OFC11). Also called: Orofacial cleft 11; ofc11; CLEFT LIP WITH OR WITHOUT CLEFT PALATE, NONSYNDROMIC, 11. Identifiers: MedGen C2677434, MONDO:0010906, OMIM 600625.
Microphthalmia with brain and digit anomalies (MCOPS6). Also called: MICROPHTHALMIA AND PITUITARY ANOMALIES; Microphthalmia, syndromic 6. Identifiers: Orphanet 139471, MedGen C1864689, MONDO:0011936, OMIM 607932.
Inborn genetic diseases. Identifiers: MedGen C0950123, MeSH D030342.

Allele frequency attached by ClinVar (database versions not stated): TOPMed below 0.00001; ExAC 0.00001; gnomAD exomes 0.00001.
gnomAD v4.1: 11 of 1,613,900 alleles (0.00068%); highest among the groups gnomAD compares: Middle Eastern, 0.049%; no homozygotes.

Submissions (2):

Ambry Genetics
Classification: Uncertain significance for Inborn genetic diseases. Last evaluated: 2025-01-21. Review status: criteria provided, single submitter. Criteria: Ambry Variant Classification Scheme 2023. Collection method: clinical testing. Allele origin: germline.

Labcorp Genetics (formerly Invitae), Labcorp
Classification: Uncertain significance for Microphthalmia with brain and digit anomalies; Orofacial cleft 11. Last evaluated: 2023-04-14. Review status: criteria provided, single submitter. Criteria: Invitae Variant Classification Sherloc (09022015). Collection method: clinical testing. Allele origin: germline.
Comment: ClinVar contains an entry for this variant (Variation ID: 2157168). This sequence change replaces arginine, which is basic and polar, with glutamine, which is neutral and polar, at codon 280 of the BMP4 protein (p.Arg280Gln). This variant is present in population databases (rs776094026, gnomAD 0.006%). This variant has not been reported in the literature in individuals affected with BMP4-related conditions. Advanced modeling of protein sequence and biophysical properties (such as structural, functional, and spatial information, amino acid conservation, physicochemical variation, residue mobility, and thermodynamic stability) performed at Invitae indicates that this missense variant is not expected to disrupt BMP4 protein function. In summary, the available evidence is currently insufficient to determine the role of this variant in disease. Therefore, it has been classified as a Variant of Uncertain Significance.